The following is an entry in ClinVar:

ClinVar aggregate classification (germline): Likely pathogenic (1 of 4 stars; one submission).

Conditions:
Hereditary spastic paraplegia 2 (SPG2). Also called: SPASTIC PARAPLEGIA 2, X-LINKED; Spastic Paraplegia 2 (SPG2). Identifiers: Orphanet 99015, MedGen C0751604, MONDO:0010733, OMIM 312920.
Pelizaeus-Merzbacher disease. Also called: LEUKODYSTROPHY, HYPOMYELINATING, 1; Sudanophilic leukodystrophy; Pelizaeus-Merzbacher spectrum disorder; Pelizaeus-Merzbacher Disease (PMD); Pelizeaus-Merzbacher spectrum disorder. Identifiers: Orphanet 702, MedGen C0205711, MONDO:0010714, OMIM 312080, HP:0003269.

Submission:

Center for Human Genetics and Genomic Medicine, Uniklinik Rwth Aachen
Classification: Likely pathogenic for Pelizaeus-Merzbacher disease; Hereditary spastic paraplegia 2. Review status: criteria provided, single submitter. Criteria: ACMG Guidelines, 2015. Collection method: clinical testing. Allele origin: maternal. Inheritance: X-linked inheritance. Affected: yes. Observed: 1 hemizygote.
Comment: The variant has not yet been detected in the general population (gnomAD). It has also not yet been described in the literature, the dbSNP151 database or the ClinVar database. Another nucleotide exchange at the same position (NM_000533.5:c.789C>A, p.(Tyr263*)) is reported twice in ClinVar as probably pathogenic without indication of a phenotype (variation ID 448087). Another nonsense variant, also located in the last exon of the PLP1 gene and more distal than the variation reported here, is listed in ClinVar as pathogenic in association with an SPG2 (variation ID 488580). In the literature, a cytotoxic effect is discussed as a pathomechanism of point mutations (usually missense variants) in PLP1-associated diseases, resulting in a more severe phenotype than the complete absence of the protein due to nonsense variants3,4. Because the variant detected here affects the last exon of the PLP1 gene, no conclusions about the molecular mechanism underlying the variant are possible at the current level of knowledge. Therefore, the variant has been considered as a "likely pathogenic" (ACMG criteria).

NM_000533.5(PLP1):c.789C>G (p.Tyr263Ter)

Genes: PLP1 (proteolipid protein 1; plus strand), RAB9B (RAB9B, member RAS oncogene family; minus strand). Cytogenetic location: Xq22.2.
Variant type: single nucleotide variant.
Coding change: c.789C>G on transcript NM_000533.5 (MANE Select); coding-DNA position 789, C replaced by G.
Protein change: p.Tyr263Ter; replaces tyrosine 263 with a stop codon.
Molecular consequence: nonsense.
Genome position (GRCh38, 1-based): chrX:103,790,553, C>G. VCF-style: chrX-103790553-C-G. GRCh37 (hg19) VCF-style: chrX-103045481-C-G.
Other names: c.789C>G, p.Tyr263Ter (NM_001128834.3); c.624C>G, p.Tyr208Ter (NM_001305004.1); c.684C>G, p.Tyr228Ter (NM_199478.3); short protein forms Y208*, Y228*, Y263*.
Identifiers: ClinVar variation 2575061 (VCV002575061.2), dbSNP rs1556273075, ClinGen allele CA414104920.